The following is an entry in ClinVar:

NM_006348.3(COG5):c.-8C>T

Genes: COG5 (component of oligomeric golgi complex 5; minus strand), DUS4L (dihydrouridine synthase 4 like; plus strand), DUS4L-BCAP29 (DUS4L-BCAP29 readthrough; plus strand). Cytogenetic location: 7q22.3.
Variant type: single nucleotide variant.
Coding change: c.-8C>T on transcript NM_006348.3; 8 bases upstream of the start codon, C replaced by T.
Molecular consequence: 5 prime UTR variant (on NM_181581.3). On other transcripts: non-coding transcript variant (7).
Genome position (GRCh38, 1-based): chr7:107,563,997, G>A on the plus strand (C>T on the coding strand, the complement: COG5 is on the minus strand). VCF-style: chr7-107563997-G-A. GRCh37 (hg19) VCF-style: chr7-107204442-G-A.
Other names: c.-173G>A (NM_001270419.2); c.-323G>A (NM_181581.3, NM_001371364.2, NM_001371366.2); c.-361G>A (NM_001371365.2); c.-234G>A (NM_001371367.2).
Identifiers: ClinVar variation 389379 (VCV000389379.9), dbSNP rs555908807, ClinGen allele CA4431628.

ClinVar aggregate classification (germline): Conflicting classifications of pathogenicity. Review status: criteria provided, conflicting classifications (1 of 4 stars). 3 submissions from 3 submitters: Uncertain significance (1); Likely benign (1). 1 of the submissions does not count toward it. Last evaluated 2018-01-13.

Conditions:
COG5-related disorder. Also called: COG5-related condition.
COG5-congenital disorder of glycosylation. Also called: CDG IIi; COG5-CDG; CONGENITAL DISORDER OF GLYCOSYLATION, TYPE IIi. Identifiers: Orphanet 263487, MedGen C3150876, MONDO:0013325, OMIM 613612.

Allele frequency attached by ClinVar (database versions not stated): ExAC 0.00032; 1000 Genomes Project 0.00020; TOPMed 0.00022; gnomAD 0.00016 and 0.00018; gnomAD exomes 0.00026 and 0.00036.
gnomAD v4.1: 318 of 1,250,612 alleles (0.025%); highest among the groups gnomAD compares: Admixed American, 0.084%; no homozygotes.

Submissions (3):

Illumina Laboratory Services, Illumina
Classification: Uncertain significance for COG5-congenital disorder of glycosylation. Last evaluated: 2018-01-13. Review status: criteria provided, single submitter. Criteria: ICSL Variant Classification Criteria 13 December 2019. Collection method: clinical testing. Allele origin: germline.

GeneDx
Classification: Likely benign. Last evaluated: 2016-10-25. Review status: criteria provided, single submitter. Criteria: GeneDx Variant Classification (06012015). Collection method: clinical testing. Allele origin: germline. Affected: yes.
Comment: This variant is considered likely benign or benign based on one or more of the following criteria: it is a conservative change, it occurs at a poorly conserved position in the protein, it is predicted to be benign by multiple in silico algorithms, and/or has population frequency not consistent with disease.

PreventionGenetics, part of Exact Sciences
Classification: Likely benign for COG5-related condition. Last evaluated: 2019-12-13. Review status: no assertion criteria provided. Collection method: clinical testing. Allele origin: germline. Not counted in ClinVar's aggregate classification.
Comment: This variant is classified as likely benign based on ACMG/AMP sequence variant interpretation guidelines (Richards et al. 2015 PMID: 25741868, with internal and published modifications).